The following is an entry in ClinVar:

NM_020166.5(MCCC1):c.1040C>A (p.Thr347Asn)

Gene: MCCC1 (methylcrotonyl-CoA carboxylase subunit 1; minus strand). Cytogenetic location: 3q27.1.
Variant type: single nucleotide variant.
Coding change: c.1040C>A on transcript NM_020166.5 (MANE Select); coding-DNA position 1040, C replaced by A.
Protein change: p.Thr347Asn; replaces threonine 347 with asparagine.
Molecular consequence: missense variant. On other transcripts: non-coding transcript variant (2).
Genome position (GRCh38, 1-based): chr3:183,045,456, G>T on the plus strand (C>A on the coding strand, the complement: MCCC1 is on the minus strand). VCF-style: chr3-183045456-G-T. GRCh37 (hg19) VCF-style: chr3-182763244-G-T.
Other names: c.689C>A, p.Thr230Asn (NM_001293273.2); c.713C>A, p.Thr238Asn (NM_001363880.1); short protein forms T230N, T238N, T347N.
Identifiers: ClinVar variation 1015815 (VCV001015815.8), dbSNP rs1714478055, ClinGen allele CA355325039.

ClinVar aggregate classification (germline): Uncertain significance (1 of 4 stars; one submission).

Conditions:
3-methylcrotonyl-CoA carboxylase 1 deficiency (MCC1D). Also called: MCCD TYPE 1; METHYLCROTONYLGLYCINURIA TYPE I; MCC 1 deficiency; 3 Alpha methylcrotonylglycinuria 1. Identifiers: Orphanet 6, MedGen CN028786, MONDO:0008861, OMIM 210200.

Submission:

Labcorp Genetics (formerly Invitae), Labcorp
Classification: Uncertain significance for 3-methylcrotonyl-CoA carboxylase 1 deficiency. Last evaluated: 2022-08-23. Review status: criteria provided, single submitter. Criteria: Invitae Variant Classification Sherloc (09022015). Collection method: clinical testing. Allele origin: germline.
Comment: This sequence change replaces threonine, which is neutral and polar, with asparagine, which is neutral and polar, at codon 347 of the MCCC1 protein (p.Thr347Asn). This variant is not present in population databases (gnomAD no frequency). This variant has not been reported in the literature in individuals affected with MCCC1-related conditions. ClinVar contains an entry for this variant (Variation ID: 1015815). Algorithms developed to predict the effect of missense changes on protein structure and function are either unavailable or do not agree on the potential impact of this missense change (SIFT: "Deleterious"; PolyPhen-2: "Probably Damaging"; Align-GVGD: "Class C0"). In summary, the available evidence is currently insufficient to determine the role of this variant in disease. Therefore, it has been classified as a Variant of Uncertain Significance.